The following is an entry in ClinVar:

ClinVar aggregate classification (germline): Uncertain significance. Review status: criteria provided, multiple submitters, no conflicts (2 of 4 stars). 2 submissions from 2 submitters: Uncertain significance (2). Last evaluated 2026-04-22.

Conditions:
Hereditary cancer-predisposing syndrome. Also called: Hereditary Cancer Syndrome; Neoplastic Syndromes, Hereditary; Hereditary neoplastic syndrome; Tumor predisposition. Identifiers: Orphanet 140162, MedGen C0027672, MeSH D009386, MONDO:0015356.
Neuroblastoma, susceptibility to, 3. Also called: ALK-Related Neuroblastic Tumor Susceptibility. Identifiers: Orphanet 635, MedGen C2751681, MONDO:0013083, OMIM 613014.

Submissions (2):

Ambry Genetics
Classification: Uncertain significance for Hereditary cancer-predisposing syndrome. Last evaluated: 2026-04-22. Review status: criteria provided, single submitter. Criteria: Ambry Variant Classification Scheme 2023. Collection method: clinical testing. Allele origin: germline.
Comment: The p.E1129K variant (also known as c.3385G>A), located in coding exon 21 of the ALK gene, results from a G to A substitution at nucleotide position 3385. The glutamic acid at codon 1129 is replaced by lysine, an amino acid with similar properties. This amino acid position is highly conserved in available vertebrate species. In addition, this alteration is predicted to be deleterious by in silico analysis. Based on the available evidence, the clinical significance of this variant remains unclear.

Labcorp Genetics (formerly Invitae), Labcorp
Classification: Uncertain significance for Neuroblastoma, susceptibility to, 3. Last evaluated: 2022-10-19. Review status: criteria provided, single submitter. Criteria: Invitae Variant Classification Sherloc (09022015). Collection method: clinical testing. Allele origin: germline.
Comment: This sequence change replaces glutamic acid, which is acidic and polar, with lysine, which is basic and polar, at codon 1129 of the ALK protein (p.Glu1129Lys). This variant is not present in population databases (gnomAD no frequency). This variant has not been reported in the literature in individuals affected with ALK-related conditions. Algorithms developed to predict the effect of missense changes on protein structure and function (SIFT, PolyPhen-2, Align-GVGD) all suggest that this variant is likely to be disruptive. In summary, the available evidence is currently insufficient to determine the role of this variant in disease. Therefore, it has been classified as a Variant of Uncertain Significance.

NM_004304.5(ALK):c.3385G>A (p.Glu1129Lys)

Gene: ALK (ALK receptor tyrosine kinase; minus strand). Cytogenetic location: 2p23.2.
Variant type: single nucleotide variant.
Coding change: c.3385G>A on transcript NM_004304.5 (MANE Select); coding-DNA position 3385, G replaced by A.
Protein change: p.Glu1129Lys; replaces glutamic acid 1129 with lysine.
Molecular consequence: missense variant.
Genome position (GRCh38, 1-based): chr2:29,222,582, C>T on the plus strand (G>A on the coding strand, the complement: ALK is on the minus strand). VCF-style: chr2-29222582-C-T. GRCh37 (hg19) VCF-style: chr2-29445448-C-T.
Other names: c.181G>A, p.Glu61Lys (NM_001353765.2); c.3385G>A (NM_004304.4); short protein forms E1129K, E61K.
Identifiers: ClinVar variation 1721855 (VCV001721855.6), dbSNP rs1669835501, ClinGen allele CA346464117.